The following is an entry in ClinVar:

NM_001349798.2(FBXW7):c.604T>C (p.Cys202Arg)

Gene: FBXW7 (F-box and WD repeat domain containing 7; minus strand). Cytogenetic location: 4q31.3.
Variant type: single nucleotide variant.
Coding change: c.604T>C on transcript NM_001349798.2 (MANE Select); coding-DNA position 604, T replaced by C.
Protein change: p.Cys202Arg; replaces cysteine 202 with arginine.
Molecular consequence: missense variant.
Genome position (GRCh38, 1-based): chr4:152,347,052, A>G on the plus strand (T>C on the coding strand, the complement: FBXW7 is on the minus strand). VCF-style: chr4-152347052-A-G. GRCh37 (hg19) VCF-style: chr4-153268204-A-G.
Other names: c.250T>C, p.Cys84Arg (NM_001013415.2); c.364T>C, p.Cys122Arg (NM_018315.5); c.604T>C, p.Cys202Arg (NM_033632.3); short protein forms C122R, C202R, C84R.
Identifiers: ClinVar variation 3363567 (VCV003363567.1).
Genomic context (GRCh38, chr4:152,347,052, plus strand): 5'-GTTGTTGCCCTTGGCCATTGGCTGCTCTGAGGTCCCCAAAAGTTGTTGGTGTTGCTGAAC[A>G]TGGTACAAGCCCAGTGGTACTACAAAAAAAAAAAAAAGAGAGAGAGAAAGGATAAAAGGA-3'
Protein context (NP_001336727.1, residues 192-212): EYTSTTGLVP[Cys202Arg]SATPTTFGDL

ClinVar aggregate classification (germline): Uncertain significance (1 of 4 stars; one submission).

gnomAD v4.1: 6 of 1,612,844 alleles (0.00037%); highest among the groups gnomAD compares: Non-Finnish European, 0.00051%; no homozygotes.

Submission:

GeneDx
Classification: Uncertain significance. Last evaluated: 2023-11-07. Review status: criteria provided, single submitter. Criteria: GeneDx Variant Classification Process June 2021. Collection method: clinical testing. Allele origin: germline. Affected: yes.
Comment: Not observed at significant frequency in large population cohorts (gnomAD); In silico analysis supports that this missense variant does not alter protein structure/function; Has not been previously published as pathogenic or benign to our knowledge